The following is an entry in ClinVar:

NC_000017.11:g.(?_43104102)_(43125483_?)del

Genes: BRCA1 (BRCA1 DNA repair associated; minus strand), LOC111589216 (BRCA1 intron 2 regulatory region; plus strand), LOC110485084 (BRCA1 intronic recombination region; plus strand), LOC111589215 (BRCA1 promoter region; plus strand). Cytogenetic location: 17q21.31.
Variant type: Deletion.
Identifiers: ClinVar variation 662865 (VCV000662865.3).

ClinVar aggregate classification (germline): Pathogenic (1 of 4 stars; one submission).

Conditions:
Hereditary breast ovarian cancer syndrome. Also called: Hereditary breast and ovarian cancer syndrome (HBOC); Hereditary breast and ovarian cancer syndrome; Breast and ovarian cancer; Hereditary breast and ovarian cancer; Hereditary breast and/or ovarian cancer syndrome; BRCA1- and BRCA2-Associated Hereditary Breast and Ovarian Cancer. Identifiers: Orphanet 145, MedGen C0677776, MeSH D061325, MONDO:0003582. Disease mechanism: loss of function.

Submission:

Labcorp Genetics (formerly Invitae), Labcorp
Classification: Pathogenic for Hereditary breast ovarian cancer syndrome. Last evaluated: 2022-10-13. Review status: criteria provided, single submitter. Criteria: Invitae Variant Classification Sherloc (09022015). Collection method: clinical testing. Allele origin: germline.
Comment: This variant is a gross deletion of the genomic region encompassing exon(s) 1-6 of the BRCA1 gene, which includes the initiator codon. This deletion extends beyond the assayed region for this gene and therefore may encompass additional genes. It is expected to result in an absent or disrupted protein product. Loss-of-function variants in BRCA1 are known to be pathogenic (PMID: 20104584). A similar copy number variant has been observed in individual(s) with breast and/or ovarian cancer (PMID: 18431737, 23223007, 24825132). This variant is also known as exons 1-7. For these reasons, this variant has been classified as Pathogenic.

Literature cited by the submitters: PubMed 20104584; PubMed 18431737; PubMed 23223007; PubMed 24825132.